The following is an entry in ClinVar:

ClinVar aggregate classification (germline): Uncertain significance (1 of 4 stars; one submission).

Conditions:
STING-associated vasculopathy with onset in infancy. Also called: Sting-associated vasculopathy, infantile-onset. Identifiers: Orphanet 425120, MedGen C4014722, MONDO:0014405, OMIM 615934.

Allele frequency attached by ClinVar (database versions not stated): gnomAD exomes 0.00001 and below 0.00001.
gnomAD v4.1: 10 of 1,613,556 alleles (0.00062%); highest among the groups gnomAD compares: Non-Finnish European, 0.00085%; no homozygotes.

Submission:

Labcorp Genetics (formerly Invitae), Labcorp
Classification: Uncertain significance for STING-associated vasculopathy with onset in infancy. Last evaluated: 2022-06-20. Review status: criteria provided, single submitter. Criteria: Invitae Variant Classification Sherloc (09022015). Collection method: clinical testing. Allele origin: germline.
Comment: In summary, the available evidence is currently insufficient to determine the role of this variant in disease. Therefore, it has been classified as a Variant of Uncertain Significance. This sequence change replaces valine, which is neutral and non-polar, with alanine, which is neutral and non-polar, at codon 31 of the TMEM173 protein (p.Val31Ala). This variant is present in population databases (no rsID available, gnomAD 0.0009%). This variant has not been reported in the literature in individuals affected with TMEM173-related conditions. ClinVar contains an entry for this variant (Variation ID: 834249). Algorithms developed to predict the effect of missense changes on protein structure and function output the following: SIFT: "Tolerated"; PolyPhen-2: "Benign"; Align-GVGD: "Class C0". The alanine amino acid residue is found in multiple mammalian species, which suggests that this missense change does not adversely affect protein function.

NM_198282.4(STING1):c.92T>C (p.Val31Ala)

Gene: STING1 (stimulator of interferon response cGAMP interactor 1; minus strand). Cytogenetic location: 5q31.2.
Variant type: single nucleotide variant.
Coding change: c.92T>C on transcript NM_198282.4 (MANE Select); coding-DNA position 92, T replaced by C.
Protein change: p.Val31Ala; replaces valine 31 with alanine.
Molecular consequence: missense variant. On other transcripts: intron variant (1).
Genome position (GRCh38, 1-based): chr5:139,481,613, A>G on the plus strand (T>C on the coding strand, the complement: STING1 is on the minus strand). VCF-style: chr5-139481613-A-G. GRCh37 (hg19) VCF-style: chr5-138861198-A-G.
Other names: c.92T>C, p.Val31Ala (NM_001301738.2); c.-130-271T>C (NM_001367258.1); short protein forms V31A.
Identifiers: ClinVar variation 834249 (VCV000834249.12), dbSNP rs1321304491, ClinGen allele CA361481875.